The following is an entry in ClinVar:

NM_001105206.3(LAMA4):c.3310A>C (p.Asn1104His)

Gene: LAMA4 (laminin subunit alpha 4; minus strand). Cytogenetic location: 6q21.
Variant type: single nucleotide variant.
Coding change: c.3310A>C on transcript NM_001105206.3 (MANE Select); coding-DNA position 3310, A replaced by C.
Protein change: p.Asn1104His; replaces asparagine 1104 with histidine.
Molecular consequence: missense variant.
Genome position (GRCh38, 1-based): chr6:112,136,227, T>G on the plus strand (A>C on the coding strand, the complement: LAMA4 is on the minus strand). VCF-style: chr6-112136227-T-G. GRCh37 (hg19) VCF-style: chr6-112457429-T-G.
Other names: c.3289A>C, p.Asn1097His (NM_001105207.3, NM_002290.5); short protein forms N1097H, N1104H.
Identifiers: ClinVar variation 4614457 (VCV004614457.1).

ClinVar aggregate classification (germline): Uncertain significance (1 of 4 stars; one submission).

Conditions:
Cardiovascular phenotype. Identifiers: MedGen CN230736.

Submission:

Ambry Genetics
Classification: Uncertain significance for Cardiovascular phenotype. Last evaluated: 2025-12-02. Review status: criteria provided, single submitter. Criteria: Ambry Variant Classification Scheme 2023. Collection method: clinical testing. Allele origin: germline.
Comment: The p.N1097H variant (also known as c.3289A>C), located in coding exon 24 of the LAMA4 gene, results from an A to C substitution at nucleotide position 3289. The asparagine at codon 1097 is replaced by histidine, an amino acid with similar properties. This amino acid position is conserved. In addition, this alteration is predicted to be tolerated by in silico analysis. Based on the available evidence, the clinical significance of this variant remains unclear.